The following is an entry in ClinVar:

NM_005422.4(TECTA):c.4350C>T (p.Arg1450=)

Genes: TBCEL-TECTA (TBCEL-TECTA readthrough; plus strand), TECTA (tectorin alpha; plus strand). Cytogenetic location: 11q23.3.
Variant type: single nucleotide variant.
Coding change: c.4350C>T on transcript NM_005422.4 (MANE Select); coding-DNA position 4350, C replaced by T.
Protein change: p.Arg1450=; no amino-acid change (arginine 1450 retained).
Molecular consequence: synonymous variant.
Genome position (GRCh38, 1-based): chr11:121,157,885, C>T. VCF-style: chr11-121157885-C-T. GRCh37 (hg19) VCF-style: chr11-121028594-C-T.
Other names: c.5307C>T, p.Arg1769= (NM_001378761.1); c.4350C>T (NM_005422.2).
Identifiers: ClinVar variation 2996009 (VCV002996009.4), dbSNP rs529744148, ClinGen allele CA6327440.

ClinVar aggregate classification (germline): Conflicting classifications of pathogenicity. Review status: criteria provided, conflicting classifications (1 of 4 stars). 2 submissions from 2 submitters: Uncertain significance (1); Likely benign (1). Last evaluated 2025-07-28.

Allele frequency attached by ClinVar (database versions not stated): gnomAD 0.00001; TOPMed 0.00001; ExAC 0.00002; 1000 Genomes Project 30x 0.00016; 1000 Genomes Project 0.00020.
gnomAD v4.1: 4 of 1,614,266 alleles (0.00025%); highest among the groups gnomAD compares: East Asian, 0.0089%; no homozygotes.

Submissions (2):

GeneDx
Classification: Uncertain significance. Last evaluated: 2025-07-28. Review status: criteria provided, single submitter. Criteria: GeneDx Variant Classification Process June 2021. Collection method: clinical testing. Allele origin: germline. Affected: yes.
Comment: In silico analysis suggests that this variant does not alter splicing; Has not been previously published as pathogenic or benign to our knowledge

Labcorp Genetics (formerly Invitae), Labcorp
Classification: Likely benign. Last evaluated: 2022-12-22. Review status: criteria provided, single submitter. Criteria: Invitae Variant Classification Sherloc (09022015). Collection method: clinical testing. Allele origin: germline.